The following is an entry in ClinVar:

ClinVar aggregate classification (germline): Uncertain significance (1 of 4 stars; one submission).

Submission:

Ambry Genetics
Classification: Uncertain significance. Last evaluated: 2024-06-15. Review status: criteria provided, single submitter. Criteria: Ambry Variant Classification Scheme 2023. Collection method: clinical testing. Allele origin: germline.
Comment: The p.P145S variant (also known as c.433C>T), located in coding exon 3 of the POLQ gene, results from a C to T substitution at nucleotide position 433. The proline at codon 145 is replaced by serine, an amino acid with similar properties. This amino acid position is conserved. In addition, this alteration is predicted to be deleterious by in silico analysis. Based on the available evidence, the clinical significance of this variant remains unclear.

NM_199420.4(POLQ):c.433C>T (p.Pro145Ser)

Gene: POLQ (DNA polymerase theta; minus strand). Cytogenetic location: 3q13.33.
Variant type: single nucleotide variant.
Coding change: c.433C>T on transcript NM_199420.4 (MANE Select); coding-DNA position 433, C replaced by T.
Protein change: p.Pro145Ser; replaces proline 145 with serine.
Molecular consequence: missense variant.
Genome position (GRCh38, 1-based): chr3:121,541,390, G>A on the plus strand (C>T on the coding strand, the complement: POLQ is on the minus strand). VCF-style: chr3-121541390-G-A. GRCh37 (hg19) VCF-style: chr3-121260237-G-A.
Other names: short protein forms P145S.
Identifiers: ClinVar variation 3308732 (VCV003308732.1).